The following is an entry in ClinVar:

NM_000093.5(COL5A1):c.4892C>G (p.Thr1631Arg)

Genes: COL5A1 (collagen type V alpha 1 chain; plus strand), LOC101448202 (uncharacterized LOC101448202; minus strand). Cytogenetic location: 9q34.3.
Variant type: single nucleotide variant.
Coding change: c.4892C>G on transcript NM_000093.5 (MANE Select); coding-DNA position 4892, C replaced by G.
Protein change: p.Thr1631Arg; replaces threonine 1631 with arginine.
Molecular consequence: missense variant.
Genome position (GRCh38, 1-based): chr9:134,824,793, C>G. VCF-style: chr9-134824793-C-G. GRCh37 (hg19) VCF-style: chr9-137716639-C-G.
Other names: p.T1631R:ACG>AGG; c.4892C>G, p.Thr1631Arg (NM_001278074.1); short protein forms T1631R.
Identifiers: ClinVar variation 213060 (VCV000213060.7), dbSNP rs764446683, ClinGen allele CA321126.

ClinVar aggregate classification (germline): Conflicting classifications of pathogenicity. Review status: criteria provided, conflicting classifications (1 of 4 stars). 3 submissions from 3 submitters: Uncertain significance (2); Likely benign (1). Last evaluated 2026-01-25.

Conditions:
Ehlers-Danlos syndrome, classic type, 1 (EDSCL1). Also called: Ehlers-Danlos Syndrome, Classic Type, COL5A1-Related; EHLERS-DANLOS SYNDROME, GRAVIS TYPE; EHLERS-DANLOS SYNDROME, SEVERE CLASSIC TYPE; Ehlers-Danlos syndrome, type 1; EDS I. Identifiers: MedGen C0268335, MONDO:0019567, OMIM 130000.
Familial thoracic aortic aneurysm and aortic dissection (TAAD). Also called: Thoracic aortic aneurysms and dissections. Identifiers: Orphanet 91387, MedGen C4707243, MONDO:0019625.

Allele frequency attached by ClinVar (database versions not stated): TOPMed 0.00001.
gnomAD v4.1: 2 of 1,614,000 alleles (0.00012%); highest among the groups gnomAD compares: African/African-American, 0.0027%; no homozygotes.

Submissions (3):

Ambry Genetics
Classification: Uncertain significance for Familial thoracic aortic aneurysm and aortic dissection. Last evaluated: 2026-01-25. Review status: criteria provided, single submitter. Criteria: Ambry Variant Classification Scheme 2023. Collection method: clinical testing. Allele origin: germline.
Comment: The p.T1631R variant (also known as c.4892C>G), located in coding exon 62 of the COL5A1 gene, results from a C to G substitution at nucleotide position 4892. The threonine at codon 1631 is replaced by arginine, an amino acid with similar properties. This amino acid position is conserved. In addition, the in silico prediction for this alteration is inconclusive. Based on the available evidence, the clinical significance of this variant remains unclear.

GeneDx
Classification: Uncertain significance. Last evaluated: 2024-02-14. Review status: criteria provided, single submitter. Criteria: GeneDx Variant Classification Process June 2021. Collection method: clinical testing. Allele origin: germline. Affected: yes.
Comment: Not observed at significant frequency in large population cohorts (gnomAD); In silico analysis supports that this missense variant has a deleterious effect on protein structure/function; Has not been previously published as pathogenic or benign to our knowledge; Not located in the triple helical region, where the majority of pathogenic missense variants occur (PMID: 22696272); This variant is associated with the following publications: (PMID: 22696272)

Labcorp Genetics (formerly Invitae), Labcorp
Classification: Likely benign for Ehlers-Danlos syndrome, classic type, 1. Last evaluated: 2023-07-17. Review status: criteria provided, single submitter. Criteria: Invitae Variant Classification Sherloc (09022015). Collection method: clinical testing. Allele origin: germline.